The following is an entry in ClinVar:

ClinVar aggregate classification (germline): Uncertain significance. Review status: criteria provided, multiple submitters, no conflicts (2 of 4 stars). 2 submissions from 2 submitters: Uncertain significance (2). Last evaluated 2024-11-26.

Conditions:
Inborn genetic diseases. Identifiers: MedGen C0950123, MeSH D030342.

Submissions (2):

Ambry Genetics
Classification: Uncertain significance for Inborn genetic diseases. Last evaluated: 2024-11-26. Review status: criteria provided, single submitter. Criteria: Ambry Variant Classification Scheme 2023. Collection method: clinical testing. Allele origin: germline.

GeneDx
Classification: Uncertain significance. Last evaluated: 2024-01-23. Review status: criteria provided, single submitter. Criteria: GeneDx Variant Classification Process June 2021. Collection method: clinical testing. Allele origin: germline. Affected: yes.
Comment: In silico analysis supports that this missense variant has a deleterious effect on protein structure/function; Has not been previously published as pathogenic or benign to our knowledge

NM_024884.3(L2HGDH):c.887T>C (p.Val296Ala)

Gene: L2HGDH (L-2-hydroxyglutarate dehydrogenase; minus strand). Cytogenetic location: 14q21.3.
Variant type: single nucleotide variant.
Coding change: c.887T>C on transcript NM_024884.3 (MANE Select); coding-DNA position 887, T replaced by C.
Protein change: p.Val296Ala; replaces valine 296 with alanine.
Molecular consequence: missense variant.
Genome position (GRCh38, 1-based): chr14:50,269,182, A>G on the plus strand (T>C on the coding strand, the complement: L2HGDH is on the minus strand). VCF-style: chr14-50269182-A-G. GRCh37 (hg19) VCF-style: chr14-50735900-A-G.
Other names: c.887T>C, p.Val296Ala (NM_001425212.1); c.776T>C, p.Val259Ala (NM_001425213.1, NM_001425214.1); c.341T>C, p.Val114Ala (NM_001425215.1, NM_001425216.1, NM_001425217.1 and 1 more transcripts); short protein forms V114A, V259A, V296A.
Identifiers: ClinVar variation 3367961 (VCV003367961.2).